The following is an entry in ClinVar:

NM_001025603.2(RFX5):c.49G>T (p.Ala17Ser)

Gene: RFX5 (regulatory factor X5; minus strand). Cytogenetic location: 1q21.3.
Variant type: single nucleotide variant.
Coding change: c.49G>T on transcript NM_001025603.2 (MANE Select); coding-DNA position 49, G replaced by T.
Protein change: p.Ala17Ser; replaces alanine 17 with serine.
Molecular consequence: missense variant.
Genome position (GRCh38, 1-based): chr1:151,346,272, C>A on the plus strand (G>T on the coding strand, the complement: RFX5 is on the minus strand). VCF-style: chr1-151346272-C-A. GRCh37 (hg19) VCF-style: chr1-151318748-C-A.
Other names: c.49G>T, p.Ala17Ser (NM_000449.4, NM_001379412.1, NM_001379413.1 and 7 more transcripts); short protein forms A17S.
Identifiers: ClinVar variation 2069587 (VCV002069587.1), dbSNP rs549403330, ClinGen allele CA1089969.

ClinVar aggregate classification (germline): Uncertain significance (1 of 4 stars; one submission).

Conditions:
MHC class II deficiency. Also called: Bare lymphocyte syndrome 2; BLS, TYPE II. Identifiers: Orphanet 572, MedGen C5447452, MONDO:0008855.

Allele frequency attached by ClinVar (database versions not stated): gnomAD 0.00001; ExAC 0.00002; 1000 Genomes Project 0.00040; 1000 Genomes Project 30x 0.00047.

Submission:

Labcorp Genetics (formerly Invitae), Labcorp
Classification: Uncertain significance for MHC class II deficiency. Last evaluated: 2022-04-10. Review status: criteria provided, single submitter. Criteria: Invitae Variant Classification Sherloc (09022015). Collection method: clinical testing. Allele origin: germline.
Comment: This sequence change replaces alanine, which is neutral and non-polar, with serine, which is neutral and polar, at codon 17 of the RFX5 protein (p.Ala17Ser). This variant is present in population databases (rs549403330, gnomAD 0.01%). This variant has not been reported in the literature in individuals affected with RFX5-related conditions. Algorithms developed to predict the effect of missense changes on protein structure and function (SIFT, PolyPhen-2, Align-GVGD) all suggest that this variant is likely to be tolerated. In summary, the available evidence is currently insufficient to determine the role of this variant in disease. Therefore, it has been classified as a Variant of Uncertain Significance.